The following is an entry in ClinVar:

ClinVar aggregate classification (germline): Likely benign (1 of 4 stars; one submission).

Allele frequency attached by ClinVar (database versions not stated): gnomAD exomes 0.00131; gnomAD 0.01276; 1000 Genomes Project 0.01298; 1000 Genomes Project 30x 0.01437; TOPMed 0.01438.
gnomAD v4.1: 3,628 of 1,390,590 alleles (0.26%); highest among the groups gnomAD compares: African/African-American, 4.5%; 70 homozygotes.

Submission:

GeneDx
Classification: Likely benign. Last evaluated: 2021-05-13. Review status: criteria provided, single submitter. Criteria: GeneDx Variant Classification Process June 2021. Collection method: clinical testing. Allele origin: germline. Affected: yes.
Comment: See Variant Classification Assertion Criteria.

NM_001278064.2(GRM1):c.*66A>C

Gene: GRM1 (glutamate metabotropic receptor 1; plus strand). Cytogenetic location: 6q24.3.
Variant type: single nucleotide variant.
Coding change: c.*66A>C on transcript NM_001278064.2 (MANE Select); 66 bases downstream of the stop codon, A replaced by C.
Molecular consequence: 3 prime UTR variant.
Genome position (GRCh38, 1-based): chr6:146,434,862, A>C. VCF-style: chr6-146434862-A-C. GRCh37 (hg19) VCF-style: chr6-146755998-A-C.
Other names: c.*1015A>C (NM_001278065.2); c.*980A>C (NM_001278066.1); c.*889A>C (NM_001278067.1).
Identifiers: ClinVar variation 1723022 (VCV001723022.2), dbSNP rs57950742, ClinGen allele CA149303169.